The following is an entry in ClinVar:

ClinVar aggregate classification (germline): Uncertain significance (1 of 4 stars; one submission).

Conditions:
Inborn genetic diseases. Identifiers: MedGen C0950123, MeSH D030342.

gnomAD v4.1: 1 of 1,613,556 alleles (0.000062%); highest among the groups gnomAD compares: East Asian, 0.0022%; no homozygotes.

Submission:

Ambry Genetics
Classification: Uncertain significance for Inborn genetic diseases. Last evaluated: 2025-01-13. Review status: criteria provided, single submitter. Criteria: Ambry Variant Classification Scheme 2023. Collection method: clinical testing. Allele origin: germline.
Comment: The p.A609T variant (also known as c.1825G>A), located in coding exon 18 of the ANKRD26 gene, results from a G to A substitution at nucleotide position 1825. The alanine at codon 609 is replaced by threonine, an amino acid with similar properties. This amino acid position is conserved. In addition, this alteration is predicted to be tolerated by in silico analysis. Based on the available evidence, the clinical significance of this variant remains unclear.

NM_014915.3(ANKRD26):c.1825G>A (p.Ala609Thr)

Gene: ANKRD26 (ankyrin repeat domain containing 26; minus strand). Cytogenetic location: 10p12.1.
Variant type: single nucleotide variant.
Coding change: c.1825G>A on transcript NM_014915.3 (MANE Select); coding-DNA position 1825, G replaced by A.
Protein change: p.Ala609Thr; replaces alanine 609 with threonine.
Molecular consequence: missense variant.
Genome position (GRCh38, 1-based): chr10:27,046,513, C>T on the plus strand (G>A on the coding strand, the complement: ANKRD26 is on the minus strand). VCF-style: chr10-27046513-C-T. GRCh37 (hg19) VCF-style: chr10-27335442-C-T.
Other names: c.1822G>A, p.Ala608Thr (NM_001256053.2); short protein forms A608T, A609T.
Identifiers: ClinVar variation 3870422 (VCV003870422.1).